The following is an entry in ClinVar:

ClinVar aggregate classification (germline): Uncertain significance. Review status: criteria provided, multiple submitters, no conflicts (2 of 4 stars). 4 submissions from 4 submitters: Uncertain significance (4). Last evaluated 2025-11-20.

Conditions:
Inborn genetic diseases. Identifiers: MedGen C0950123, MeSH D030342.
Charcot-Marie-Tooth disease recessive intermediate C. Also called: CHARCOT-MARIE-TOOTH NEUROPATHY, RECESSIVE INTERMEDIATE C. Identifiers: Orphanet 369867, MedGen C3809309, MONDO:0014154, OMIM 615376.
Neuronopathy, distal hereditary motor, autosomal recessive 4. Also called: NEUROPATHY, DISTAL HEREDITARY MOTOR, AUTOSOMAL RECESSIVE 4; Autosomal recessive lower motor neuron disease with childhood onset. Identifiers: Orphanet 206580, MedGen C1970211, MONDO:0012608, OMIM 611067.

Allele frequency attached by ClinVar (database versions not stated): gnomAD 0.00001; TOPMed 0.00002; gnomAD exomes 0.00003 and 0.00004; ExAC 0.00004.
gnomAD v4.1: 42 of 1,604,078 alleles (0.0026%); highest among the groups gnomAD compares: Middle Eastern, 0.017%; no homozygotes.

Submissions (4):

Ambry Genetics
Classification: Uncertain significance for Inborn genetic diseases. Last evaluated: 2025-11-20. Review status: criteria provided, single submitter. Criteria: Ambry Variant Classification Scheme 2023. Collection method: clinical testing. Allele origin: germline.

GeneDx
Classification: Uncertain significance. Last evaluated: 2024-12-14. Review status: criteria provided, single submitter. Criteria: GeneDx Variant Classification Process June 2021. Collection method: clinical testing. Allele origin: germline. Affected: yes.
Comment: Not observed at significant frequency in large population cohorts (gnomAD); In silico analysis supports that this missense variant has a deleterious effect on protein structure/function; Has not been previously published as pathogenic or benign to our knowledge

Blueprint Genetics
Classification: Uncertain significance. Last evaluated: 2024-07-01. Review status: criteria provided, single submitter. Criteria: ACMG Guidelines, 2015. Collection method: clinical testing. Allele origin: germline.

Labcorp Genetics (formerly Invitae), Labcorp
Classification: Uncertain significance for Neuronopathy, distal hereditary motor, autosomal recessive 4; Charcot-Marie-Tooth disease recessive intermediate C. Last evaluated: 2022-03-20. Review status: criteria provided, single submitter. Criteria: Invitae Variant Classification Sherloc (09022015). Collection method: clinical testing. Allele origin: germline.
Comment: This sequence change replaces arginine, which is basic and polar, with cysteine, which is neutral and slightly polar, at codon 860 of the PLEKHG5 protein (p.Arg860Cys). This variant is present in population databases (rs557256913, gnomAD 0.01%). This variant has not been reported in the literature in individuals affected with PLEKHG5-related conditions. ClinVar contains an entry for this variant (Variation ID: 569860). Algorithms developed to predict the effect of missense changes on protein structure and function are either unavailable or do not agree on the potential impact of this missense change (SIFT: "Deleterious"; PolyPhen-2: "Benign"; Align-GVGD: "Class C0"). In summary, the available evidence is currently insufficient to determine the role of this variant in disease. Therefore, it has been classified as a Variant of Uncertain Significance.

NM_020631.6(PLEKHG5):c.2578C>T (p.Arg860Cys)

Gene: PLEKHG5 (pleckstrin homology and RhoGEF domain containing G5; minus strand). Cytogenetic location: 1p36.31.
Variant type: single nucleotide variant.
Coding change: c.2578C>T on transcript NM_020631.6 (MANE Select); coding-DNA position 2578, C replaced by T.
Protein change: p.Arg860Cys; replaces arginine 860 with cysteine.
Molecular consequence: missense variant.
Genome position (GRCh38, 1-based): chr1:6,468,258, G>A on the plus strand (C>T on the coding strand, the complement: PLEKHG5 is on the minus strand). VCF-style: chr1-6468258-G-A. GRCh37 (hg19) VCF-style: chr1-6528318-G-A.
Other names: c.2689C>T, p.Arg897Cys (NM_001042663.3, NM_001265592.2); c.2578C>T, p.Arg860Cys (NM_001042664.2, NM_001042665.2, NM_001265594.3 and 1 more transcripts); c.2785C>T, p.Arg929Cys (NM_001265593.2); short protein forms R860C, R929C, R897C.
Identifiers: ClinVar variation 569860 (VCV000569860.11), dbSNP rs557256913, ClinGen allele CA561128.
Genomic context (GRCh38, chr1:6,468,258, plus strand): 5'-CCTCGGACTTAGACTTGAGCAGGTGGGGCGGGCAGCTCAACAGCTGGACAGGGGTGCGGC[G>A]GCGGAGACGGGGCGAGGGTGGAGGGGAAGGAACTCGTGGGGACTCTGGGGCCCGAGGCAC-3'
Protein context (NP_065682.2, residues 850-870): PSPPPSPRLR[Arg860Cys]RTPVQLLSCP